The following is an entry in ClinVar:

ClinVar aggregate classification (germline): Uncertain significance (1 of 4 stars; one submission).

Submission:

GeneDx
Classification: Uncertain significance. Last evaluated: 2024-12-04. Review status: criteria provided, single submitter. Criteria: GeneDx Variant Classification Process June 2021. Collection method: clinical testing. Allele origin: germline. Affected: yes.
Comment: Not observed at significant frequency in large population cohorts (gnomAD); Missense variant in a gene in which most reported pathogenic variants are truncating/loss of function; Has not been previously published as pathogenic or benign to our knowledge

NM_001267550.2(TTN):c.69805G>A (p.Gly23269Arg)

Genes: TTN (titin; minus strand), TTN-AS1 (TTN antisense RNA 1; plus strand), LOC126806422 (BRD4-independent group 4 enhancer GRCh37_chr2:179440205-179441404; plus strand). Cytogenetic location: 2q31.2.
Variant type: single nucleotide variant.
Coding change: c.69805G>A on transcript NM_001267550.2 (MANE Select); coding-DNA position 69805, G replaced by A.
Protein change: p.Gly23269Arg; replaces glycine 23269 with arginine.
Molecular consequence: missense variant.
Genome position (GRCh38, 1-based): chr2:178,576,327, C>T on the plus strand (G>A on the coding strand, the complement: TTN is on the minus strand). VCF-style: chr2-178576327-C-T. GRCh37 (hg19) VCF-style: chr2-179441054-C-T.
Other names: c.64882G>A, p.Gly21628Arg (NM_001256850.1); c.42610G>A, p.Gly14204Arg (NM_003319.4); c.62101G>A, p.Gly20701Arg (NM_133378.4); c.42985G>A, p.Gly14329Arg (NM_133432.3); c.43186G>A, p.Gly14396Arg (NM_133437.4); short protein forms G14204R, G14329R, G14396R, G20701R, G21628R, G23269R.
Identifiers: ClinVar variation 3901490 (VCV003901490.1).
Genomic context (GRCh38, chr2:178,576,327, plus strand): 5'-TTATCCAGGCCTCGTCTCCTACTTTTTGATGCTCCACGACATAGCCAGTGATTTCAAGTC[C>T]ACCATCATAATGAGGCTTGCCCCATGCCAAAGAAGCAGATTTCTTGGTAGTATCAGTGAC-3'
Protein context (NP_001254479.2, residues 23259-23279): LAWGKPHYDG[Gly23269Arg]LEITGYVVEH